The following is an entry in ClinVar:

NM_177438.3(DICER1):c.4246G>A (p.Asp1416Asn)

Gene: DICER1 (dicer 1, ribonuclease III; minus strand). Cytogenetic location: 14q32.13.
Variant type: single nucleotide variant.
Coding change: c.4246G>A on transcript NM_177438.3 (MANE Select); coding-DNA position 4246, G replaced by A.
Protein change: p.Asp1416Asn; replaces aspartic acid 1416 with asparagine.
Molecular consequence: missense variant.
Genome position (GRCh38, 1-based): chr14:95,096,674, C>T on the plus strand (G>A on the coding strand, the complement: DICER1 is on the minus strand). VCF-style: chr14-95096674-C-T. GRCh37 (hg19) VCF-style: chr14-95563011-C-T.
Other names: c.4246G>A (NM_177438.2); c.4246G>A, p.Asp1416Asn (NM_030621.4, NM_001195573.1, NM_001271282.3 and 1 more transcripts); short protein forms D1416N.
Identifiers: ClinVar variation 1010700 (VCV001010700.11), dbSNP rs1001077631, ClinGen allele CA265898490.

ClinVar aggregate classification (germline): Uncertain significance. Review status: criteria provided, multiple submitters, no conflicts (2 of 4 stars). 2 submissions from 2 submitters: Uncertain significance (2). Last evaluated 2024-06-26.

Conditions:
Hereditary cancer-predisposing syndrome. Also called: Tumor predisposition; Hereditary Cancer Syndrome; Neoplastic Syndromes, Hereditary; Hereditary neoplastic syndrome. Identifiers: Orphanet 140162, MedGen C0027672, MeSH D009386, MONDO:0015356.
DICER1-related tumor predisposition. Also called: DICER1-related pleuropulmonary blastoma cancer predisposition syndrome; DICER1 syndrome. Identifiers: Orphanet 284343, MedGen C3839822, MONDO:0100216.

Submissions (2):

Labcorp Genetics (formerly Invitae), Labcorp
Classification: Uncertain significance for DICER1-related tumor predisposition. Last evaluated: 2024-06-26. Review status: criteria provided, single submitter. Criteria: Invitae Variant Classification Sherloc (09022015). Collection method: clinical testing. Allele origin: germline.
Comment: This sequence change replaces aspartic acid, which is acidic and polar, with asparagine, which is neutral and polar, at codon 1416 of the DICER1 protein (p.Asp1416Asn). This variant is not present in population databases (gnomAD no frequency). This variant has not been reported in the literature in individuals affected with DICER1-related conditions. ClinVar contains an entry for this variant (Variation ID: 1010700). An algorithm developed to predict the effect of missense changes on protein structure and function (PolyPhen-2) suggests that this variant is likely to be tolerated. In summary, the available evidence is currently insufficient to determine the role of this variant in disease. Therefore, it has been classified as a Variant of Uncertain Significance.

Ambry Genetics
Classification: Uncertain significance for Hereditary cancer-predisposing syndrome. Last evaluated: 2024-05-05. Review status: criteria provided, single submitter. Criteria: Ambry Variant Classification Scheme 2023. Collection method: clinical testing. Allele origin: germline.
Comment: The p.D1416N variant (also known as c.4246G>A), located in coding exon 22 of the DICER1 gene, results from a G to A substitution at nucleotide position 4246. The aspartic acid at codon 1416 is replaced by asparagine, an amino acid with highly similar properties. This amino acid position is conserved. In addition, this alteration is predicted to be tolerated by in silico analysis. Based on the available evidence, the clinical significance of this variant remains unclear.